The following is an entry in ClinVar:

NM_178554.6(KY):c.1889G>A (p.Ser630Asn)

Genes: CEP63 (centrosomal protein 63; plus strand), KY (kyphoscoliosis peptidase; minus strand). Cytogenetic location: 3q22.2.
Variant type: single nucleotide variant.
Coding change: c.1889G>A on transcript NM_178554.6 (MANE Select); coding-DNA position 1889, G replaced by A.
Protein change: p.Ser630Asn; replaces serine 630 with asparagine.
Molecular consequence: missense variant.
Genome position (GRCh38, 1-based): chr3:134,603,676, C>T on the plus strand (G>A on the coding strand, the complement: KY is on the minus strand). VCF-style: chr3-134603676-C-T. GRCh37 (hg19) VCF-style: chr3-134322518-C-T.
Other names: c.1841G>A, p.Ser614Asn (NM_001350859.2); c.1826G>A, p.Ser609Asn (NM_001366276.1); c.1889G>A (NM_178554.4); short protein forms S609N, S614N, S630N.
Identifiers: ClinVar variation 1037666 (VCV001037666.10), dbSNP rs199865600, ClinGen allele CA2628916.

ClinVar aggregate classification (germline): Conflicting classifications of pathogenicity. Review status: criteria provided, conflicting classifications (1 of 4 stars). 2 submissions from 2 submitters: Uncertain significance (1); Likely benign (1). Last evaluated 2024-07-30.

Conditions:
Inborn genetic diseases. Identifiers: MedGen C0950123, MeSH D030342.

Allele frequency attached by ClinVar (database versions not stated): gnomAD exomes 0.00005 and 0.00008; ExAC 0.00007; TOPMed 0.00007; gnomAD 0.00008; 1000 Genomes Project 30x 0.00016; 1000 Genomes Project 0.00020.
gnomAD v4.1: 92 of 1,613,822 alleles (0.0057%); highest among the groups gnomAD compares: Admixed American, 0.013%; no homozygotes.

Submissions (2):

Ambry Genetics
Classification: Likely benign for Inborn genetic diseases. Last evaluated: 2024-07-30. Review status: criteria provided, single submitter. Criteria: Ambry Variant Classification Scheme 2023. Collection method: clinical testing. Allele origin: germline.

Labcorp Genetics (formerly Invitae), Labcorp
Classification: Uncertain significance. Last evaluated: 2018-05-12. Review status: criteria provided, single submitter. Criteria: Invitae Variant Classification Sherloc (09022015). Collection method: clinical testing. Allele origin: germline.
Comment: This variant is present in population databases (rs199865600, ExAC 0.01%). In summary, the available evidence is currently insufficient to determine the role of this variant in disease. Therefore, it has been classified as a Variant of Uncertain Significance. Algorithms developed to predict the effect of missense changes on protein structure and function output the following: SIFT: "Tolerated"; PolyPhen-2: "Benign"; Align-GVGD: "Class C0". The asparagine amino acid residue is found in multiple mammalian species, suggesting that this missense change does not adversely affect protein function. These predictions have not been confirmed by published functional studies and their clinical significance is uncertain. This variant has not been reported in the literature in individuals with KY-related disease. This sequence change replaces serine with asparagine at codon 630 of the KY protein (p.Ser630Asn). The serine residue is weakly conserved and there is a small physicochemical difference between serine and asparagine.